The following is an entry in ClinVar:

NM_207037.2(TCF12):c.946A>G (p.Ile316Val)

Gene: TCF12 (transcription factor 12; plus strand). Cytogenetic location: 15q21.3.
Variant type: single nucleotide variant.
Coding change: c.946A>G on transcript NM_207037.2 (MANE Select); coding-DNA position 946, A replaced by G.
Protein change: p.Ile316Val; replaces isoleucine 316 with valine.
Molecular consequence: missense variant.
Genome position (GRCh38, 1-based): chr15:57,232,832, A>G. VCF-style: chr15-57232832-A-G. GRCh37 (hg19) VCF-style: chr15-57525030-A-G.
Other names: c.436A>G, p.Ile146Val (NM_001306219.3, NM_207040.2); c.238A>G, p.Ile80Val (NM_001306220.3); c.946A>G, p.Ile316Val (NM_001322151.2, NM_001322152.2, NM_001322157.3 and 7 more transcripts); c.289A>G, p.Ile97Val (NM_001322154.2); c.772A>G, p.Ile258Val (NM_001322156.2, NM_001322158.2); c.982A>G, p.Ile328Val (NM_001322164.2); short protein forms I316V, I80V, I258V, I146V, I328V, I97V.
Identifiers: ClinVar variation 2181967 (VCV002181967.28), dbSNP rs183184785, ClinGen allele CA7581066.
Genomic context (GRCh38, chr15:57,232,832, plus strand): 5'-AGCTTTCATCGCGGCAGTACCAGCAGTTCACCTTACGTTGCTGCCTCACACACTCCTCCC[A>G]TCAATGGATCAGACAGCATTCTAGGTGAGCTTTTTGAGTTGGCAAAACTTCCTAAAAGTT-3'
Protein context (NP_996920.1, residues 306-326): PYVAASHTPP[Ile316Val]NGSDSILGTR

ClinVar aggregate classification (germline): Benign/Likely benign. Review status: criteria provided, multiple submitters, no conflicts (2 of 4 stars). 2 submissions from 2 submitters: Benign (1); Likely benign (1). Last evaluated 2025-10-10.

Allele frequency attached by ClinVar (database versions not stated): TOPMed 0.00016; ESP Exome Variant Server 0.00031; 1000 Genomes Project 30x 0.00078; gnomAD exomes 0.00080; 1000 Genomes Project 0.00100; gnomAD 0.00137; ExAC 0.00172.
gnomAD v4.1: 1,382 of 1,605,110 alleles (0.086%); highest among the groups gnomAD compares: Non-Finnish European, 0.024%; 12 homozygotes.

Submissions (2):

Labcorp Genetics (formerly Invitae), Labcorp
Classification: Benign. Last evaluated: 2025-10-10. Review status: criteria provided, single submitter. Criteria: Invitae Variant Classification Sherloc (09022015). Collection method: clinical testing. Allele origin: germline.

CeGaT Center for Human Genetics Tuebingen
Classification: Likely benign. Last evaluated: 2022-11-01. Review status: criteria provided, single submitter. Criteria: CeGaT Center For Human Genetics Tuebingen Variant Classification Criteria Version 2. Collection method: clinical testing. Allele origin: germline. Affected: yes. Observed: 1 variant allele.
Comment: TCF12: BP4